The following is an entry in ClinVar:

NM_199420.4(POLQ):c.5569G>A (p.Glu1857Lys)

Gene: POLQ (DNA polymerase theta; minus strand). Cytogenetic location: 3q13.33.
Variant type: single nucleotide variant.
Coding change: c.5569G>A on transcript NM_199420.4 (MANE Select); coding-DNA position 5569, G replaced by A.
Protein change: p.Glu1857Lys; replaces glutamic acid 1857 with lysine.
Molecular consequence: missense variant.
Genome position (GRCh38, 1-based): chr3:121,487,362, C>T on the plus strand (G>A on the coding strand, the complement: POLQ is on the minus strand). VCF-style: chr3-121487362-C-T. GRCh37 (hg19) VCF-style: chr3-121206209-C-T.
Other names: short protein forms E1857K.
Identifiers: ClinVar variation 1748341 (VCV001748341.3), dbSNP rs968734935, ClinGen allele CA81832960.
Genomic context (GRCh38, chr3:121,487,362, plus strand): 5'-CTTGCTTAAACCTACTGCCAATAGTAGCAGTTTTAGAAGATGTCAAACTTCTAATCTTTT[C>T]ACAAGCCAGTGAGATGGAAAATCGCTTTTTGCACCGCCACTCCTTAATGAATGTTTGGAA-3'
Protein context (NP_955452.3, residues 1847-1867): KKRFSISLAC[Glu1857Lys]KIRSLTSSKT

ClinVar aggregate classification (germline): Uncertain significance (1 of 4 stars; one submission).

Allele frequency attached by ClinVar (database versions not stated): gnomAD exomes below 0.00001; gnomAD 0.00001; TOPMed 0.00002.
gnomAD v4.1: 3 of 1,613,446 alleles (0.00019%); highest among the groups gnomAD compares: African/African-American, 0.004%; no homozygotes.

Submission:

Ambry Genetics
Classification: Uncertain significance. Last evaluated: 2024-09-12. Review status: criteria provided, single submitter. Criteria: Ambry Variant Classification Scheme 2023. Collection method: clinical testing. Allele origin: germline.
Comment: The p.E1857K variant (also known as c.5569G>A), located in coding exon 16 of the POLQ gene, results from a G to A substitution at nucleotide position 5569. The glutamic acid at codon 1857 is replaced by lysine, an amino acid with similar properties. This amino acid position is conserved. In addition, the in silico prediction for this alteration is inconclusive. Since supporting evidence is limited at this time, the clinical significance of this alteration remains unclear.